The following is an entry in ClinVar:

NM_004525.3(LRP2):c.3662G>A (p.Gly1221Asp)

Gene: LRP2 (LDL receptor related protein 2; minus strand). Cytogenetic location: 2q31.1.
Variant type: single nucleotide variant.
Coding change: c.3662G>A on transcript NM_004525.3 (MANE Select); coding-DNA position 3662, G replaced by A.
Protein change: p.Gly1221Asp; replaces glycine 1221 with aspartic acid.
Molecular consequence: missense variant.
Genome position (GRCh38, 1-based): chr2:169,242,961, C>T on the plus strand (G>A on the coding strand, the complement: LRP2 is on the minus strand). VCF-style: chr2-169242961-C-T. GRCh37 (hg19) VCF-style: chr2-170099471-C-T.
Other names: short protein forms G1221D.
Identifiers: ClinVar variation 1462498 (VCV001462498.3), dbSNP rs777494229, ClinGen allele CA1954978.

ClinVar aggregate classification (germline): Uncertain significance (1 of 4 stars; one submission).

Allele frequency attached by ClinVar (database versions not stated): gnomAD exomes below 0.00001 and 0.00001; TOPMed below 0.00001; ExAC 0.00002.
gnomAD v4.1: 3 of 1,612,908 alleles (0.00019%); highest among the groups gnomAD compares: Admixed American, 0.005%; no homozygotes.

Submission:

Labcorp Genetics (formerly Invitae), Labcorp
Classification: Uncertain significance. Last evaluated: 2021-08-22. Review status: criteria provided, single submitter. Criteria: Invitae Variant Classification Sherloc (09022015). Collection method: clinical testing. Allele origin: germline.
Comment: This sequence change replaces glycine with aspartic acid at codon 1221 of the LRP2 protein (p.Gly1221Asp). The glycine residue is moderately conserved and there is a moderate physicochemical difference between glycine and aspartic acid. This variant is present in population databases (rs777494229, ExAC 0.02%). This variant has not been reported in the literature in individuals affected with LRP2-related conditions. Advanced modeling of protein sequence and biophysical properties (such as structural, functional, and spatial information, amino acid conservation, physicochemical variation, residue mobility, and thermodynamic stability) performed at Invitae indicates that this missense variant is not expected to disrupt LRP2 protein function. In summary, the available evidence is currently insufficient to determine the role of this variant in disease. Therefore, it has been classified as a Variant of Uncertain Significance.